The following is an entry in ClinVar:

ClinVar aggregate classification (germline): Uncertain significance. Review status: criteria provided, multiple submitters, no conflicts (2 of 4 stars). 2 submissions from 2 submitters: Uncertain significance (2). Last evaluated 2024-07-22.

Conditions:
Mosaic variegated aneuploidy syndrome 1 (MVA1). Also called: Warburton-Anyane-Yeboa syndrome. Identifiers: Orphanet 1052, MedGen C1850343, MONDO:0009759, OMIM 257300.
Inborn genetic diseases. Identifiers: MedGen C0950123, MeSH D030342.

Submissions (2):

Molecular Pathology, Peter Maccallum Cancer Centre
Classification: Uncertain significance for Mosaic variegated aneuploidy syndrome 1. Last evaluated: 2024-07-22. Review status: criteria provided, single submitter. Criteria: ACMG Guidelines, 2015. Collection method: clinical testing. Allele origin: germline. Inheritance: Autosomal recessive inheritance.

Ambry Genetics
Classification: Uncertain significance for Inborn genetic diseases. Last evaluated: 2024-03-16. Review status: criteria provided, single submitter. Criteria: Ambry Variant Classification Scheme 2023. Collection method: clinical testing. Allele origin: germline.
Comment: The p.I358T variant (also known as c.1073T>C), located in coding exon 9 of the BUB1B gene, results from a T to C substitution at nucleotide position 1073. The isoleucine at codon 358 is replaced by threonine, an amino acid with similar properties. This amino acid position is conserved. In addition, this alteration is predicted to be tolerated by in silico analysis. Based on the available evidence, the clinical significance of this alteration remains unclear.

NM_001211.6(BUB1B):c.1073T>C (p.Ile358Thr)

Gene: BUB1B (BUB1 mitotic checkpoint serine/threonine kinase B; plus strand). Cytogenetic location: 15q15.1.
Variant type: single nucleotide variant.
Coding change: c.1073T>C on transcript NM_001211.6 (MANE Select); coding-DNA position 1073, T replaced by C.
Protein change: p.Ile358Thr; replaces isoleucine 358 with threonine.
Molecular consequence: missense variant.
Genome position (GRCh38, 1-based): chr15:40,196,559, T>C. VCF-style: chr15-40196559-T-C. GRCh37 (hg19) VCF-style: chr15-40488760-T-C.
Other names: short protein forms I358T.
Identifiers: ClinVar variation 3262214 (VCV003262214.2).
Genomic context (GRCh38, chr15:40,196,559, plus strand): 5'-TTTTTTATTTTGACCCATATGAATAATAGTAATTTTGCTTCTTTAGGACACCATGTAAAA[T>C]TGAACCTAGTATAAACCACATCCTAAGCACCAGAAAGCCTGGAAAGGAAGAAGGAGATCC-3'
Protein context (NP_001202.5, residues 348-368): ARQPVMTPCK[Ile358Thr]EPSINHILST